The following is an entry in ClinVar:

ClinVar aggregate classification (germline): Benign/Likely benign. Review status: criteria provided, multiple submitters, no conflicts (2 of 4 stars). 3 submissions from 3 submitters: Benign (1); Likely benign (2). Last evaluated 2025-11-26.

Conditions:
Renal cell carcinoma. Identifiers: Orphanet 217071, MedGen C0007134, MeSH D002292, MONDO:0005086, HP:0005584.
Hereditary cancer-predisposing syndrome. Also called: Hereditary Cancer Syndrome; Hereditary neoplastic syndrome; Neoplastic Syndromes, Hereditary; Tumor predisposition. Identifiers: Orphanet 140162, MedGen C0027672, MeSH D009386, MONDO:0015356.
Papillary renal cell carcinoma type 1 (RCCP1). Also called: Renal adenocarcinoma; Renal cell carcinoma 1; Renal cell carcinoma, somatic; RENAL CELL CARCINOMA, PAPILLARY, 1, SOMATIC. Identifiers: Orphanet 47044, MedGen C1336839, OMIM 605074, HP:0011797.

Allele frequency attached by ClinVar (database versions not stated): gnomAD 0.00001; gnomAD exomes 0.00001; TOPMed 0.00002.
gnomAD v4.1: 13 of 1,595,852 alleles (0.00081%); highest among the groups gnomAD compares: Non-Finnish European, 0.0011%; no homozygotes.

Submissions (3):

Labcorp Genetics (formerly Invitae), Labcorp
Classification: Likely benign for Renal cell carcinoma. Last evaluated: 2025-11-26. Review status: criteria provided, single submitter. Criteria: Invitae Variant Classification Sherloc (09022015). Collection method: clinical testing. Allele origin: germline.

Myriad Genetics, Inc.
Classification: Benign for Papillary renal cell carcinoma type 1. Last evaluated: 2024-11-07. Review status: criteria provided, single submitter. Criteria: Myriad Autosomal Dominant, Autosomal Recessive and X-Linked Classification Criteria (2023). Collection method: clinical testing. Allele origin: unknown.
Comment: This variant is considered benign. This variant is a silent/synonymous amino acid change and it is not expected to impact splicing.

Ambry Genetics
Classification: Likely benign for Hereditary cancer-predisposing syndrome. Last evaluated: 2017-09-08. Review status: criteria provided, single submitter. Criteria: Ambry Variant Classification Scheme 2023. Collection method: clinical testing. Allele origin: germline.

NM_000245.4(MET):c.1068A>G (p.Pro356=)

Gene: MET (MET proto-oncogene, receptor tyrosine kinase; plus strand). Cytogenetic location: 7q31.2.
Variant type: single nucleotide variant.
Coding change: c.1068A>G on transcript NM_000245.4 (MANE Select); coding-DNA position 1068, A replaced by G.
Protein change: p.Pro356=; no amino-acid change (proline 356 retained).
Molecular consequence: synonymous variant. On other transcripts: intron variant (1).
Genome position (GRCh38, 1-based): chr7:116,700,152, A>G. VCF-style: chr7-116700152-A-G. GRCh37 (hg19) VCF-style: chr7-116340206-A-G.
Other names: c.1068A>G, p.Pro356= (NM_001127500.3, NM_001324401.3); c.-91+27575A>G (NM_001324402.2).
Identifiers: ClinVar variation 454176 (VCV000454176.18), dbSNP rs934426317, ClinGen allele CA164889430.